The following is an entry in ClinVar:

NM_002691.4(POLD1):c.3016G>A (p.Ala1006Thr)

Gene: POLD1 (DNA polymerase delta 1, catalytic subunit; plus strand). Cytogenetic location: 19q13.33.
Variant type: single nucleotide variant.
Coding change: c.3016G>A on transcript NM_002691.4 (MANE Select); coding-DNA position 3016, G replaced by A.
Protein change: p.Ala1006Thr; replaces alanine 1006 with threonine.
Molecular consequence: missense variant. On other transcripts: non-coding transcript variant (1).
Genome position (GRCh38, 1-based): chr19:50,416,672, G>A. VCF-style: chr19-50416672-G-A. GRCh37 (hg19) VCF-style: chr19-50919929-G-A.
Other names: c.3016G>A, p.Ala1006Thr (NM_001256849.1); c.3094G>A, p.Ala1032Thr (NM_001308632.1); c.3016G>A (NM_002691.2); short protein forms A1006T, A1032T.
Identifiers: ClinVar variation 408069 (VCV000408069.27), dbSNP rs376197467, ClinGen allele CA9596728.

ClinVar aggregate classification (germline): Conflicting classifications of pathogenicity. Review status: criteria provided, conflicting classifications (1 of 4 stars). 11 submissions from 11 submitters: Uncertain significance (9); Likely benign (1). 1 of the submissions does not count toward it. Last evaluated 2026-01-26.

Conditions:
Hereditary cancer-predisposing syndrome. Also called: Neoplastic Syndromes, Hereditary; Hereditary neoplastic syndrome; Hereditary Cancer Syndrome; Tumor predisposition. Identifiers: Orphanet 140162, MedGen C0027672, MeSH D009386, MONDO:0015356.
POLD1-related polyposis and colorectal cancer syndrome (CRCS10). Also called: Colorectal cancer, susceptibility to, 10; Colorectal cancer 10; COLORECTAL CANCER, SUSCEPTIBILITY TO, ON CHROMOSOME 19q. Identifiers: Orphanet 220460, MedGen C2675481, MONDO:0012953, OMIM 612591.
Familial colorectal cancer type X. Identifiers: Orphanet 440437, MedGen C3896578, MONDO:0018604.
Polymerase proofreading-related adenomatous polyposis. Also called: Polymerase proofreading associated polyposis; Polymerase proofreading–associated polyposis (PPAP). Identifiers: Orphanet 447877, MedGen C5202613, MONDO:0018653.
POLD1-related disorder. Also called: POLD1-related disorders; POLD1-related condition.

Allele frequency attached by ClinVar (database versions not stated): ExAC below 0.00001; gnomAD 0.00003; TOPMed 0.00011; ESP Exome Variant Server 0.00016.
gnomAD v4.1: 63 of 1,556,242 alleles (0.004%); highest among the groups gnomAD compares: East Asian, 0.0048%; no homozygotes.

Submissions (11):

Labcorp Genetics (formerly Invitae), Labcorp
Classification: Uncertain significance for POLD1-related polyposis and colorectal cancer syndrome. Last evaluated: 2026-01-26. Review status: criteria provided, single submitter. Criteria: Invitae Variant Classification Sherloc (09022015). Collection method: clinical testing. Allele origin: germline.
Comment: This sequence change replaces alanine, which is neutral and non-polar, with threonine, which is neutral and polar, at codon 1006 of the POLD1 protein (p.Ala1006Thr). The frequency data for this variant in the population databases is considered unreliable, as metrics indicate poor data quality at this position in the gnomAD database. This variant has not been reported in the literature in individuals affected with POLD1-related conditions. ClinVar contains an entry for this variant (Variation ID: 408069). Invitae Evidence Modeling of protein sequence and biophysical properties (such as structural, functional, and spatial information, amino acid conservation, physicochemical variation, residue mobility, and thermodynamic stability) indicates that this missense variant is not expected to disrupt POLD1 protein function with a negative predictive value of 80%. In summary, the available evidence is currently insufficient to determine the role of this variant in disease. Therefore, it has been classified as a Variant of Uncertain Significance.

Center for Genomic Medicine, Rigshospitalet, Copenhagen University Hospital
Classification: Uncertain significance. Last evaluated: 2025-12-29. Review status: criteria provided, single submitter. Criteria: ACMG Guidelines, 2015. Collection method: clinical testing. Allele origin: germline.

Women's Health and Genetics/Laboratory Corporation of America, LabCorp
Classification: Uncertain significance. Last evaluated: 2024-09-24. Review status: criteria provided, single submitter. Criteria: LabCorp Variant Classification Summary - May 2015. Collection method: clinical testing. Allele origin: germline.
Comment: Variant summary: POLD1 c.3016G>A (p.Ala1006Thr) results in a non-conservative amino acid change in the encoded protein sequence. Three of five in-silico tools predict a benign effect of the variant on protein function. The frequency data for this variant in gnomAD is considered unreliable, as metrics indicate poor data quality at this position. To our knowledge, no occurrence of c.3016G>A in individuals affected with Mandibular Hypoplasia, Deafness, Progeroid Features, And Lipodystrophy Syndrome and no experimental evidence demonstrating its impact on protein function have been reported. ClinVar contains an entry for this variant (Variation ID: 408069). Based on the evidence outlined above, the variant was classified as uncertain significance.

Molecular Pathology, Peter Maccallum Cancer Centre
Classification: Uncertain significance for POLD1-related polyposis and colorectal cancer syndrome. Last evaluated: 2024-03-28. Review status: criteria provided, single submitter. Criteria: ACMG Guidelines, 2015. Collection method: clinical testing. Allele origin: germline. Inheritance: Autosomal dominant inheritance.

Ambry Genetics
Classification: Likely benign for Hereditary cancer-predisposing syndrome. Last evaluated: 2024-03-07. Review status: criteria provided, single submitter. Criteria: Ambry Variant Classification Scheme 2023. Collection method: clinical testing. Allele origin: germline.

GeneDx
Classification: Uncertain significance. Last evaluated: 2023-08-14. Review status: criteria provided, single submitter. Criteria: GeneDx Variant Classification Process June 2021. Collection method: clinical testing. Allele origin: germline. Affected: yes.
Comment: Not observed at significant frequency in large population cohorts (gnomAD); In silico analysis supports that this missense variant does not alter protein structure/function; Observed in a pediatric patient with myelodysplastic syndrome (Schwartz et al., 2017); This variant is associated with the following publications: (PMID: 29146900, 19296856)

ARUP Laboratories, Molecular Genetics and Genomics, ARUP Laboratories
Classification: Uncertain significance. Last evaluated: 2023-07-13. Review status: criteria provided, single submitter. Criteria: ARUP Molecular Germline Variant Investigation Process 2024. Collection method: clinical testing. Allele origin: germline.
Comment: The POLD1 c.3016G>A; p.Ala1006Thr variant (rs376197467), to our knowledge, is not reported in the medical literature but is reported in ClinVar (Variation ID: 408069). This variant is found in the general population with an overall allele frequency of 0.003% (6/187732 alleles) in the Genome Aggregation Database. Computational analyses predict that this variant is neutral (REVEL: 0.119). However, given the lack of clinical and functional data, the significance of this variant is uncertain at this time.

Department of Pathology and Laboratory Medicine, Sinai Health System
Classification: Uncertain significance for Polymerase proofreading-related adenomatous polyposis; Familial colorectal cancer type X. Last evaluated: 2022-11-01. Review status: criteria provided, single submitter. Criteria: ACMG Guidelines, 2015. Collection method: clinical testing. Allele origin: germline. Affected: yes.

Mendelics
Classification: Uncertain significance for POLD1-related polyposis and colorectal cancer syndrome. Last evaluated: 2019-05-28. Review status: criteria provided, single submitter. Criteria: Mendelics Assertion Criteria 2017. Collection method: clinical testing. Allele origin: unknown.

Quest Diagnostics Nichols Institute San Juan Capistrano
Classification: Uncertain significance. Last evaluated: 2018-07-30. Review status: criteria provided, single submitter. Criteria: Quest Diagnostics criteria. Collection method: clinical testing. Allele origin: germline.

PreventionGenetics, part of Exact Sciences
Classification: Uncertain significance for POLD1-related condition. Last evaluated: 2024-02-06. Review status: no assertion criteria provided. Collection method: clinical testing. Allele origin: germline. Not counted in ClinVar's aggregate classification.
Comment: The POLD1 c.3016G>A variant is predicted to result in the amino acid substitution p.Ala1006Thr. To our knowledge, this variant has not been reported in the literature. This variant is reported in 0.0050% of alleles in individuals of European (Non-Finnish) descent in gnomAD, and is classified as a variant of uncertain significance by multiple labs in the ClinVar database. At this time, the clinical significance of this variant is uncertain due to the absence of conclusive functional and genetic evidence.